The following is an entry in ClinVar:

ClinVar aggregate classification (germline): Likely benign. Review status: criteria provided, multiple submitters, no conflicts (2 of 4 stars). 6 submissions from 6 submitters: Likely benign (6). Last evaluated 2026-02-04.

Conditions:
MHC class II deficiency. Also called: Bare lymphocyte syndrome 2; BLS, TYPE II. Identifiers: Orphanet 572, MedGen C5447452, MONDO:0008855.

Allele frequency attached by ClinVar (database versions not stated): ESP Exome Variant Server 0.00035; gnomAD exomes 0.00039; ExAC 0.00063; 1000 Genomes Project 30x 0.00172; 1000 Genomes Project 0.00200; gnomAD 0.00216 and 0.00220; TOPMed 0.00224.
gnomAD v4.1: 662 of 1,550,386 alleles (0.043%); highest among the groups gnomAD compares: African/African-American, 0.76%; 9 homozygotes.

Submissions (6):

Labcorp Genetics (formerly Invitae), Labcorp
Classification: Likely benign for MHC class II deficiency. Last evaluated: 2026-02-04. Review status: criteria provided, single submitter. Criteria: Invitae Variant Classification Sherloc (09022015). Collection method: clinical testing. Allele origin: germline.

Women's Health and Genetics/Laboratory Corporation of America, LabCorp
Classification: Likely benign. Last evaluated: 2026-01-23. Review status: criteria provided, single submitter. Criteria: LabCorp Variant Classification Summary - May 2015. Collection method: clinical testing. Allele origin: germline.

CeGaT Center for Human Genetics Tuebingen
Classification: Likely benign. Last evaluated: 2025-07-01. Review status: criteria provided, single submitter. Criteria: CeGaT Center For Human Genetics Tuebingen Variant Classification Criteria Version 2. Collection method: clinical testing. Allele origin: germline. Affected: yes. Observed: 1 variant allele.
Comment: RFXAP: BP4, BP7

Blueprint Genetics
Classification: Likely benign. Last evaluated: 2024-11-01. Review status: criteria provided, single submitter. Criteria: ACMG Guidelines, 2015. Collection method: clinical testing. Allele origin: germline.

Illumina Laboratory Services, Illumina
Classification: Likely benign for MHC class II deficiency 1. Last evaluated: 2018-01-12. Review status: criteria provided, single submitter. Criteria: ICSL Variant Classification Criteria 13 December 2019. Collection method: clinical testing. Allele origin: germline.
Comment: This variant was observed in the ICSL laboratory as part of a predisposition screen in an ostensibly healthy population. It had not been previously curated by ICSL or reported in the Human Gene Mutation Database (HGMD: prior to June 1st, 2018), and was therefore a candidate for classification through an automated scoring system. Utilizing variant allele frequency, disease prevalence and penetrance estimates, and inheritance mode, an automated score was calculated to assess if this variant is too frequent to cause the disease. Based on the score and internal cut-off values, a variant classified as likely benign is not then subjected to further curation. The score for this variant resulted in a classification of likely benign for this disease.

Breakthrough Genomics
Classification: Likely benign. Review status: criteria provided, single submitter. Criteria: ACMG Guidelines, 2015. Collection method: not provided. Allele origin: germline. Inheritance: Autosomal recessive inheritance. Affected: yes.

NM_000538.4(RFXAP):c.354G>C (p.Ser118=)

Gene: RFXAP (regulatory factor X associated protein; plus strand). Cytogenetic location: 13q13.3.
Variant type: single nucleotide variant.
Coding change: c.354G>C on transcript NM_000538.4 (MANE Select); coding-DNA position 354, G replaced by C.
Protein change: p.Ser118=; no amino-acid change (serine 118 retained).
Molecular consequence: synonymous variant.
Genome position (GRCh38, 1-based): chr13:36,819,711, G>C. VCF-style: chr13-36819711-G-C. GRCh37 (hg19) VCF-style: chr13-37393848-G-C.
Identifiers: ClinVar variation 311786 (VCV000311786.26), dbSNP rs113555392, ClinGen allele CA6950199.